The following is an entry in ClinVar:

NM_001204.7(BMPR2):c.985A>G (p.Ile329Val)

Gene: BMPR2 (bone morphogenetic protein receptor type 2; plus strand). Cytogenetic location: 2q33.2.
Variant type: single nucleotide variant.
Coding change: c.985A>G on transcript NM_001204.7 (MANE Select); coding-DNA position 985, A replaced by G.
Protein change: p.Ile329Val; replaces isoleucine 329 with valine.
Molecular consequence: missense variant.
Genome position (GRCh38, 1-based): chr2:202,530,811, A>G. VCF-style: chr2-202530811-A-G. GRCh37 (hg19) VCF-style: chr2-203395534-A-G.
Other names: short protein forms I329V.
Identifiers: ClinVar variation 3992065 (VCV003992065.2).
Genomic context (GRCh38, chr2:202,530,811, plus strand): 5'-GTCCCTTTTATTCATTGATAAATATTTGAAATTATCCAAACAGATCATTATAAACCTGCA[A>G]TTTCCCATCGAGATTTAAACAGCAGAAATGTCCTAGTGAAAAATGATGGAACCTGTGTTA-3'
Protein context (NP_001195.2, residues 319-339): LPRGDHYKPA[Ile329Val]SHRDLNSRNV

ClinVar aggregate classification (germline): Conflicting classifications of pathogenicity. Review status: criteria provided, conflicting classifications (1 of 4 stars). 2 submissions from 2 submitters: Uncertain significance (1); Likely benign (1). Last evaluated 2025-12-02.

Conditions:
Inborn genetic diseases. Identifiers: MedGen C0950123, MeSH D030342.
Primary pulmonary hypertension. Also called: Idiopathic pulmonary hypertension. Identifiers: MedGen C0152171.

gnomAD v4.1: 7 of 1,613,010 alleles (0.00043%); highest among the groups gnomAD compares: South Asian, 0.0022%; no homozygotes.

Submissions (2):

Labcorp Genetics (formerly Invitae), Labcorp
Classification: Likely benign for Primary pulmonary hypertension. Last evaluated: 2025-12-02. Review status: criteria provided, single submitter. Criteria: Invitae Variant Classification Sherloc (09022015). Collection method: clinical testing. Allele origin: germline.

Ambry Genetics
Classification: Uncertain significance for Inborn genetic diseases. Last evaluated: 2025-03-26. Review status: criteria provided, single submitter. Criteria: Ambry Variant Classification Scheme 2023. Collection method: clinical testing. Allele origin: germline.
Comment: The p.I329V variant (also known as c.985A>G), located in coding exon 8 of the BMPR2 gene, results from an A to G substitution at nucleotide position 985. The isoleucine at codon 329 is replaced by valine, an amino acid with highly similar properties. This amino acid position is conserved. In addition, this alteration is predicted to be tolerated by in silico analysis. Based on the available evidence, the clinical significance of this variant remains unclear.